The following is an entry in ClinVar:

ClinVar aggregate classification (germline): Uncertain significance (1 of 4 stars; one submission).

Submission:

GeneDx
Classification: Uncertain significance. Last evaluated: 2019-10-10. Review status: criteria provided, single submitter. Criteria: GeneDx Variant Classification Process June 2021. Collection method: clinical testing. Allele origin: germline. Affected: yes.
Comment: Not observed in large population cohorts (Lek et al., 2016); In silico analysis, which includes protein predictors and evolutionary conservation, supports a deleterious effect; Has not been previously published as pathogenic or benign to our knowledge

NM_001374828.1(ARID1B):c.3786C>G (p.Ser1262Arg)

Gene: ARID1B (AT-rich interaction domain 1B; plus strand). Cytogenetic location: 6q25.3.
Variant type: single nucleotide variant.
Coding change: c.3786C>G on transcript NM_001374828.1 (MANE Select); coding-DNA position 3786, C replaced by G.
Protein change: p.Ser1262Arg; replaces serine 1262 with arginine.
Molecular consequence: missense variant.
Genome position (GRCh38, 1-based): chr6:157,184,302, C>G. VCF-style: chr6-157184302-C-G. GRCh37 (hg19) VCF-style: chr6-157505436-C-G.
Other names: c.3417C>G (NM_020732.3); c.1287C>G, p.Ser429Arg (NM_001363725.2); c.3666C>G, p.Ser1222Arg (NM_001371656.1, NM_001374820.1); c.3627C>G, p.Ser1209Arg (NM_017519.3); short protein forms S1209R, S1222R, S1262R, S429R.
Identifiers: ClinVar variation 1308518 (VCV001308518.2), dbSNP rs2128325168, ClinGen allele CA366230291.